The following is an entry in ClinVar:

NM_130839.5(UBE3A):c.298G>A (p.Ala100Thr)

Genes: SNHG14 (small nucleolar RNA host gene 14; plus strand), UBE3A (ubiquitin protein ligase E3A; minus strand). Cytogenetic location: 15q11.2.
Variant type: single nucleotide variant.
Coding change: c.298G>A on transcript NM_130839.5 (MANE Select); coding-DNA position 298, G replaced by A.
Protein change: p.Ala100Thr; replaces alanine 100 with threonine.
Molecular consequence: missense variant. On other transcripts: non-coding transcript variant (1).
Genome position (GRCh38, 1-based): chr15:25,375,528, C>T on the plus strand (G>A on the coding strand, the complement: UBE3A is on the minus strand). VCF-style: chr15-25375528-C-T. GRCh37 (hg19) VCF-style: chr15-25620675-C-T.
Other names: c.307G>A, p.Ala103Thr (NM_000462.5); c.298G>A, p.Ala100Thr (NM_001354505.1, NM_001354538.2, NM_001354545.2 and 1 more transcripts); c.238G>A, p.Ala80Thr (NM_001354506.2, NM_001354507.2, NM_001354508.2 and 18 more transcripts); c.121G>A, p.Ala41Thr (NM_001354546.2); short protein forms A100T, A103T, A41T, A80T.
Identifiers: ClinVar variation 3371919 (VCV003371919.1).

ClinVar aggregate classification (germline): Uncertain significance (1 of 4 stars; one submission).

Submission:

GeneDx
Classification: Uncertain significance. Last evaluated: 2024-03-29. Review status: criteria provided, single submitter. Criteria: GeneDx Variant Classification Process June 2021. Collection method: clinical testing. Allele origin: germline. Affected: yes.
Comment: Not observed at significant frequency in large population cohorts (gnomAD); In silico analysis supports that this missense variant does not alter protein structure/function; Has not been previously published as pathogenic or benign to our knowledge